The following is an entry in ClinVar:

ClinVar aggregate classification (germline): Uncertain significance. Review status: criteria provided, multiple submitters, no conflicts (2 of 4 stars). 6 submissions from 3 submitters: Uncertain significance (6). Last evaluated 2024-06-04.

Conditions:
Hemolytic uremic syndrome, atypical, susceptibility to, 1. Also called: AHUS, SUSCEPTIBILITY TO, 1. Identifiers: Orphanet 2134, Orphanet 90038, MedGen C2749604, MONDO:0009335, OMIM 235400. Disease mechanism: Other.
Age related macular degeneration 4. Identifiers: MedGen C1853147, MONDO:0012540, OMIM 610698.
Inborn genetic diseases. Identifiers: MedGen C0950123, MeSH D030342.
Factor H deficiency (CFHD). Also called: COMPLEMENT FACTOR H DEFICIENCY; CFH DEFICIENCY. Identifiers: Orphanet 200421, MedGen C0398777, MONDO:0012350, OMIM 609814.
Basal laminar drusen. Also called: DRUSEN OF BRUCH MEMBRANE; DRUSEN, CUTICULAR; DRUSEN, EARLY ADULT-ONSET, GROUPED. Identifiers: Orphanet 75376, MedGen C0730295, MONDO:0007472, OMIM 126700.

Allele frequency attached by ClinVar (database versions not stated): gnomAD exomes below 0.00001; ExAC 0.00002; gnomAD 0.00004; TOPMed 0.00006; 1000 Genomes Project 0.00040; 1000 Genomes Project 30x 0.00047.
gnomAD v4.1: 9 of 1,614,120 alleles (0.00056%); highest among the groups gnomAD compares: African/African-American, 0.011%; no homozygotes.

Submissions (6):

Labcorp Genetics (formerly Invitae), Labcorp
Classification: Uncertain significance. Last evaluated: 2024-06-04. Review status: criteria provided, single submitter. Criteria: Invitae Variant Classification Sherloc (09022015). Collection method: clinical testing. Allele origin: germline.
Comment: This sequence change replaces arginine, which is basic and polar, with glycine, which is neutral and non-polar, at codon 1040 of the CFH protein (p.Arg1040Gly). This variant is present in population databases (rs148480839, gnomAD 0.02%). This variant has not been reported in the literature in individuals affected with CFH-related conditions. ClinVar contains an entry for this variant (Variation ID: 1924857). Algorithms developed to predict the effect of missense changes on protein structure and function output the following: SIFT: "Not Available"; PolyPhen-2: "Benign"; Align-GVGD: "Not Available". The glycine amino acid residue is found in multiple mammalian species, which suggests that this missense change does not adversely affect protein function. In summary, the available evidence is currently insufficient to determine the role of this variant in disease. Therefore, it has been classified as a Variant of Uncertain Significance.

Genome-Nilou Lab
Classification: Uncertain significance for Hemolytic uremic syndrome, atypical, susceptibility to, 1. Last evaluated: 2023-04-11. Review status: criteria provided, single submitter. Criteria: ACMG Guidelines, 2015. Collection method: clinical testing. Allele origin: germline. Affected: no.

Genome-Nilou Lab
Classification: Uncertain significance for Age related macular degeneration 4. Last evaluated: 2023-04-11. Review status: criteria provided, single submitter. Criteria: ACMG Guidelines, 2015. Collection method: clinical testing. Allele origin: germline. Affected: no.

Genome-Nilou Lab
Classification: Uncertain significance for Basal laminar drusen. Last evaluated: 2023-04-11. Review status: criteria provided, single submitter. Criteria: ACMG Guidelines, 2015. Collection method: clinical testing. Allele origin: germline. Affected: no.

Genome-Nilou Lab
Classification: Uncertain significance for Factor H deficiency. Last evaluated: 2023-04-11. Review status: criteria provided, single submitter. Criteria: ACMG Guidelines, 2015. Collection method: clinical testing. Allele origin: germline. Affected: no.

Ambry Genetics
Classification: Uncertain significance for Inborn genetic diseases. Last evaluated: 2022-04-12. Review status: criteria provided, single submitter. Criteria: Ambry Variant Classification Scheme 2023. Collection method: clinical testing. Allele origin: germline.

NM_000186.4(CFH):c.3118A>G (p.Arg1040Gly)

Gene: CFH (complement factor H; plus strand). Cytogenetic location: 1q31.3.
Variant type: single nucleotide variant.
Coding change: c.3118A>G on transcript NM_000186.4 (MANE Select); coding-DNA position 3118, A replaced by G.
Protein change: p.Arg1040Gly; replaces arginine 1040 with glycine.
Molecular consequence: missense variant.
Genome position (GRCh38, 1-based): chr1:196,742,036, A>G. VCF-style: chr1-196742036-A-G. GRCh37 (hg19) VCF-style: chr1-196711166-A-G.
Other names: short protein forms R1040G.
Identifiers: ClinVar variation 1924857 (VCV001924857.7), dbSNP rs148480839, ClinGen allele CA1305826.